The following is an entry in ClinVar:

ClinVar aggregate classification (germline): Benign. Review status: criteria provided, multiple submitters, no conflicts (2 of 4 stars). 2 submissions from 2 submitters: Benign (2). Last evaluated 2019-01-10.

Allele frequency attached by ClinVar (database versions not stated): TOPMed 0.77157; ESP Exome Variant Server 0.78095; 1000 Genomes Project 30x 0.80668; 1000 Genomes Project 0.80691.
gnomAD v4.1: 1,178,582 of 1,608,874 alleles (73%); highest among the groups gnomAD compares: African/African-American, 93%; 434,741 homozygotes.

Submissions (2):

GeneDx
Classification: Benign. Last evaluated: 2019-01-10. Review status: criteria provided, single submitter. Criteria: GeneDx Variant Classification Process June 2021. Collection method: clinical testing. Allele origin: germline. Affected: yes.
Comment: This variant is associated with the following publications: (PMID: 29083407, 32640185)

Breakthrough Genomics
Classification: Benign. Review status: criteria provided, single submitter. Criteria: ACMG Guidelines, 2015. Collection method: not provided. Allele origin: germline. Inheritance: Unknown mechanism. Affected: yes.

NM_001244949.2(GPAM):c.127A>G (p.Ile43Val)

Gene: GPAM (glycerol-3-phosphate acyltransferase, mitochondrial; minus strand). Cytogenetic location: 10q25.2.
Variant type: single nucleotide variant.
Coding change: c.127A>G on transcript NM_001244949.2 (MANE Select); coding-DNA position 127, A replaced by G.
Protein change: p.Ile43Val; replaces isoleucine 43 with valine.
Molecular consequence: missense variant.
Genome position (GRCh38, 1-based): chr10:112,180,571, T>C on the plus strand (A>G on the coding strand, the complement: GPAM is on the minus strand). VCF-style: chr10-112180571-T-C. GRCh37 (hg19) VCF-style: chr10-113940329-T-C.
Other names: c.127A>G, p.Ile43Val (NM_020918.6); short protein forms I43V.
Identifiers: ClinVar variation 1285804 (VCV001285804.2), dbSNP rs2792751, ClinGen allele CA5690804.